The following is an entry in ClinVar:

NM_000090.4(COL3A1):c.2023-1G>T

Gene: COL3A1 (collagen type III alpha 1 chain; plus strand). Cytogenetic location: 2q32.2.
Variant type: single nucleotide variant.
Coding change: c.2023-1G>T on transcript NM_000090.4 (MANE Select); the canonical splice acceptor site of the intron before coding-DNA position 2023, G replaced by T.
Molecular consequence: splice acceptor variant.
Genome position (GRCh38, 1-based): chr2:188,999,284, G>T. VCF-style: chr2-188999284-G-T. GRCh37 (hg19) VCF-style: chr2-189864010-G-T.
Identifiers: ClinVar variation 1522149 (VCV001522149.8), dbSNP rs587779708, ClinGen allele CA349839708.

ClinVar aggregate classification (germline): Likely pathogenic (1 of 4 stars; one submission).

Conditions:
Ehlers-Danlos syndrome, type 4 (EDSVASC). Also called: Ehlers-Danlos syndrome vascular type; Ehlers Danlos syndrome, ecchymotic type; Ehlers Danlos syndrome, arterial type; Ehlers Danlos syndrome, Sack-Barabas type; Ehlers-Danlos Syndrome Type IV. Identifiers: Orphanet 286, MedGen C0268338, MONDO:0017314, OMIM 130050.

Allele frequency attached by ClinVar (database versions not stated): gnomAD 0.00001.

Submission:

Labcorp Genetics (formerly Invitae), Labcorp
Classification: Likely pathogenic for Ehlers-Danlos syndrome, type 4. Last evaluated: 2021-04-04. Review status: criteria provided, single submitter. Criteria: Invitae Variant Classification Sherloc (09022015). Collection method: clinical testing. Allele origin: germline.
Comment: In summary, the currently available evidence indicates that the variant is pathogenic, but additional data are needed to prove that conclusively. Therefore, this variant has been classified as Likely Pathogenic. Algorithms developed to predict the effect of sequence changes on RNA splicing suggest that this variant may disrupt the consensus splice site, but this prediction has not been confirmed by published transcriptional studies. This variant has been observed in individual(s) with COL3A1-related conditions (PMID: 19695909). This variant is not present in population databases (ExAC no frequency). This sequence change affects an acceptor splice site in intron 29 of the COL3A1 gene. It is expected to disrupt RNA splicing. Variants that disrupt the donor or acceptor splice site typically lead to a loss of protein function (PMID: 16199547), and loss-of-function variants in COL3A1 are known to be pathogenic (PMID: 24922459).

Literature cited by the submitters: PubMed 19695909; PubMed 16199547; PubMed 24922459.